The following is an entry in ClinVar:

NM_000238.4(KCNH2):c.310A>G (p.Ser104Gly)

Gene: KCNH2 (potassium voltage-gated channel subfamily H member 2; minus strand). Cytogenetic location: 7q36.1.
Variant type: single nucleotide variant.
Coding change: c.310A>G on transcript NM_000238.4 (MANE Select); coding-DNA position 310, A replaced by G.
Protein change: p.Ser104Gly; replaces serine 104 with glycine.
Molecular consequence: missense variant. On other transcripts: non-coding transcript variant (1).
Genome position (GRCh38, 1-based): chr7:150,959,734, T>C on the plus strand (A>G on the coding strand, the complement: KCNH2 is on the minus strand). VCF-style: chr7-150959734-T-C. GRCh37 (hg19) VCF-style: chr7-150656822-T-C.
Other names: c.22A>G, p.Ser8Gly (NM_001406753.1, NM_001406756.1); c.133A>G, p.Ser45Gly (NM_001406755.1); c.10A>G, p.Ser4Gly (NM_001406757.1); c.310A>G, p.Ser104Gly (NM_172056.3); short protein forms S104G, S45G, S4G, S8G.
Identifiers: ClinVar variation 3386915 (VCV003386915.1).

ClinVar aggregate classification (germline): Uncertain significance (1 of 4 stars; one submission).

Conditions:
Long QT syndrome (LQTS). Identifiers: MedGen C0023976, MeSH D008133, MONDO:0002442. Disease mechanism: loss of function. Inheritance: Various modes of inheritance.

Submission:

All of Us Research Program, National Institutes of Health
Classification: Uncertain significance for Long QT syndrome. Last evaluated: 2024-04-25. Review status: criteria provided, single submitter. Criteria: ACMG Guidelines, 2015. Collection method: clinical testing. Allele origin: germline. Inheritance: Autosomal dominant inheritance. Observed: 1 variant allele, 1 heterozygote.
Comment: This missense variant replaces serine with glycine at codon 104 of the KCNH2 protein. Computational prediction is inconclusive regarding the impact of this variant on protein structure and function (internally defined REVEL score threshold 0.5 < inconclusive < 0.7, PMID: 27666373). To our knowledge, functional studies have not been reported for this variant. This variant has not been reported in individuals affected with KCNH2-related disorders in the literature. This variant has not been identified in the general population by the Genome Aggregation Database (gnomAD). The available evidence is insufficient to determine the role of this variant in disease conclusively. Therefore, this variant is classified as a Variant of Uncertain Significance.

This study involves interpretation of variants in research participants for the purpose of population health screening. Participant phenotype was not available at the time of variant classification. Additional details can be found in publication PMID: 35346344, PMCID: PMC8962531